The following is an entry in ClinVar:

ClinVar aggregate classification (germline): Pathogenic (1 of 4 stars; one submission).

Conditions:
Melnick-Fraser syndrome (BOR). Also called: Branchio-oto-renal syndrome; Branchiootorenal syndrome; Branchiootorenal Syndrome (BORS). Identifiers: Orphanet 107, MedGen C0265234, MONDO:0007029.

Submission:

Labcorp Genetics (formerly Invitae), Labcorp
Classification: Pathogenic for Melnick-Fraser syndrome. Last evaluated: 2025-08-16. Review status: criteria provided, single submitter. Criteria: Invitae Variant Classification Sherloc (09022015). Collection method: clinical testing. Allele origin: germline.
Comment: This sequence change creates a premature translational stop signal (p.Trp478*) in the EYA1 gene. It is expected to result in an absent or disrupted protein product. Loss-of-function variants in EYA1 are known to be pathogenic (PMID: 10464653, 18220287). This variant is not present in population databases (gnomAD no frequency). This variant has not been reported in the literature in individuals affected with EYA1-related conditions. For these reasons, this variant has been classified as Pathogenic.

Literature cited by the submitters: PubMed 10464653; PubMed 18220287.

NM_000503.6(EYA1):c.1434G>A (p.Trp478Ter)

Gene: EYA1 (EYA transcriptional coactivator and phosphatase 1; minus strand). Cytogenetic location: 8q13.3.
Variant type: single nucleotide variant.
Coding change: c.1434G>A on transcript NM_000503.6 (MANE Select); coding-DNA position 1434, G replaced by A.
Protein change: p.Trp478Ter; replaces tryptophan 478 with a stop codon.
Molecular consequence: nonsense.
Genome position (GRCh38, 1-based): chr8:71,215,655, C>T on the plus strand (G>A on the coding strand, the complement: EYA1 is on the minus strand). VCF-style: chr8-71215655-C-T. GRCh37 (hg19) VCF-style: chr8-72127890-C-T.
Other names: c.1416G>A, p.Trp472Ter (NM_001288574.2, NM_172059.5); c.1068G>A, p.Trp356Ter (NM_001288575.2); c.1521G>A, p.Trp507Ter (NM_001370333.1); c.1434G>A, p.Trp478Ter (NM_001370334.1, NM_001370335.1, NM_172058.4); c.1413G>A, p.Trp471Ter (NM_001370336.1); c.1335G>A, p.Trp445Ter (NM_001411797.1, NM_172060.4); short protein forms W356*, W478*, W507*, W445*, W471*, W472*.
Identifiers: ClinVar variation 4723654 (VCV004723654.1).